The following is an entry in ClinVar:

ClinVar aggregate classification (germline): Pathogenic (1 of 4 stars; one submission).

Submission:

Labcorp Genetics (formerly Invitae), Labcorp
Classification: Pathogenic. Last evaluated: 2023-05-11. Review status: criteria provided, single submitter. Criteria: Invitae Variant Classification Sherloc (09022015). Collection method: clinical testing. Allele origin: germline.
Comment: This sequence change creates a premature translational stop signal (p.Gly622*) in the PIK3C2A gene. It is expected to result in an absent or disrupted protein product. Loss-of-function variants in PIK3C2A are known to be pathogenic (PMID: 31034465). This variant is not present in population databases (gnomAD no frequency). This variant has not been reported in the literature in individuals affected with PIK3C2A-related conditions. Algorithms developed to predict the effect of sequence changes on RNA splicing suggest that this variant may disrupt the consensus splice site. For these reasons, this variant has been classified as Pathogenic.

Literature cited by the submitters: PubMed 31034465.

NM_002645.4(PIK3C2A):c.1864G>T (p.Gly622Ter)

Gene: PIK3C2A (phosphatidylinositol-4-phosphate 3-kinase catalytic subunit type 2 alpha; minus strand). Cytogenetic location: 11p15.1.
Variant type: single nucleotide variant.
Coding change: c.1864G>T on transcript NM_002645.4 (MANE Select); coding-DNA position 1864, G replaced by T.
Protein change: p.Gly622Ter; replaces glycine 622 with a stop codon.
Molecular consequence: nonsense.
Genome position (GRCh38, 1-based): chr11:17,135,144, C>A on the plus strand (G>T on the coding strand, the complement: PIK3C2A is on the minus strand). VCF-style: chr11-17135144-C-A. GRCh37 (hg19) VCF-style: chr11-17156691-C-A.
Other names: c.1864G>T, p.Gly622Ter (NM_001321378.2, NM_001386870.1); c.724G>T, p.Gly242Ter (NM_001321380.2); short protein forms G622*, G242*.
Identifiers: ClinVar variation 2860554 (VCV002860554.3), dbSNP rs2494125336, ClinGen allele CA379764055.